The following is an entry in ClinVar:

NM_001378452.1(ITPR1):c.5756A>G (p.Glu1919Gly)

Gene: ITPR1 (inositol 1,4,5-trisphosphate receptor type 1; plus strand). Cytogenetic location: 3p26.1.
Variant type: single nucleotide variant.
Coding change: c.5756A>G on transcript NM_001378452.1 (MANE Select); coding-DNA position 5756, A replaced by G.
Protein change: p.Glu1919Gly; replaces glutamic acid 1919 with glycine.
Molecular consequence: missense variant.
Genome position (GRCh38, 1-based): chr3:4,768,541, A>G. VCF-style: chr3-4768541-A-G. GRCh37 (hg19) VCF-style: chr3-4810225-A-G.
Other names: c.5612A>G, p.Glu1871Gly (NM_001099952.4); c.5711A>G, p.Glu1904Gly (NM_001168272.2); c.5567A>G, p.Glu1856Gly (NM_002222.7); short protein forms E1856G, E1904G, E1871G, E1919G.
Identifiers: ClinVar variation 4745926 (VCV004745926.1).
Genomic context (GRCh38, chr3:4,768,541, plus strand): 5'-AGCCTTTCATGCCTTATGCTTGCTTTCTAGCTAAAGAGCCCACAACACAGATAACAGAAG[A>G]GGTCCGGGATCAGCTCCTGGAGGCCTCCGCTGCCACCAGGAAAGCCTTCACCACTTTCAG-3'
Protein context (NP_001365381.1, residues 1909-1929): AKEPTTQITE[Glu1919Gly]VRDQLLEASA

ClinVar aggregate classification (germline): Uncertain significance (1 of 4 stars; one submission).

Submission:

Labcorp Genetics (formerly Invitae), Labcorp
Classification: Uncertain significance. Last evaluated: 2025-05-07. Review status: criteria provided, single submitter. Criteria: Invitae Variant Classification Sherloc (09022015). Collection method: clinical testing. Allele origin: germline.
Comment: This sequence change replaces glutamic acid, which is acidic and polar, with glycine, which is neutral and non-polar, at codon 1856 of the ITPR1 protein (p.Glu1856Gly). This variant is not present in population databases (gnomAD no frequency). This variant has not been reported in the literature in individuals affected with ITPR1-related conditions. Invitae Evidence Modeling of protein sequence and biophysical properties (such as structural, functional, and spatial information, amino acid conservation, physicochemical variation, residue mobility, and thermodynamic stability) indicates that this missense variant is not expected to disrupt ITPR1 protein function with a negative predictive value of 95%. In summary, the available evidence is currently insufficient to determine the role of this variant in disease. Therefore, it has been classified as a Variant of Uncertain Significance.